The following is an entry in ClinVar:

NM_000540.3(RYR1):c.8749G>A (p.Ala2917Thr)

Gene: RYR1 (ryanodine receptor 1; plus strand). Cytogenetic location: 19q13.2.
Variant type: single nucleotide variant.
Coding change: c.8749G>A on transcript NM_000540.3 (MANE Select); coding-DNA position 8749, G replaced by A.
Protein change: p.Ala2917Thr; replaces alanine 2917 with threonine.
Molecular consequence: missense variant.
Genome position (GRCh38, 1-based): chr19:38,506,885, G>A. VCF-style: chr19-38506885-G-A. GRCh37 (hg19) VCF-style: chr19-38997525-G-A.
Other names: c.8749G>A, p.Ala2917Thr (NM_001042723.2); short protein forms A2917T.
Identifiers: ClinVar variation 3385482 (VCV003385482.1).
Genomic context (GRCh38, chr19:38,506,885, plus strand): 5'-CCAGGCGGTGGGACCCACCCCCTGCTGGTCCCCTACGACACGCTCACGGCCAAGGAGAAG[G>A]CACGAGATCGAGAGAAGGCCCAGGAGCTACTGAAATTCCTGCAGATGAATGGCTACGCGG-3'
Protein context (NP_000531.2, residues 2907-2927): PYDTLTAKEK[Ala2917Thr]RDREKAQELL

ClinVar aggregate classification (germline): Uncertain significance (1 of 4 stars; one submission).

Conditions:
Malignant hyperthermia, susceptibility to, 1 (MHS1). Also called: Anesthesia related hyperthermia; Malignant hyperpyrexia; Fulminating hyperpyrexia; Pharmacogenic myopathy; Malignant hyperthermia suceptibility 1; RYR1-Related Malignant Hyperthermia Susceptibility. Identifiers: Orphanet 423, MedGen C2930980, MONDO:0007783, OMIM 145600.

gnomAD v4.1: 2 of 1,613,690 alleles (0.00012%); highest among the groups gnomAD compares: South Asian, 0.0011%; no homozygotes.

Submission:

All of Us Research Program, National Institutes of Health
Classification: Uncertain significance for Malignant hyperthermia, susceptibility to, 1. Last evaluated: 2024-04-25. Review status: criteria provided, single submitter. Criteria: ACMG Guidelines, 2015. Collection method: clinical testing. Allele origin: germline. Inheritance: Autosomal dominant inheritance. Observed: 1 variant allele, 1 heterozygote.
Comment: This missense variant replaces alanine with threonine at codon 2917 of the RYR1 protein. Computational prediction suggests that this variant may not impact protein structure and function (internally defined REVEL score threshold <= 0.5, PMID: 27666373). To our knowledge, functional studies have not been reported for this variant. This variant has not been reported in individuals affected with RYR1-related disorders in the literature. This variant has not been identified in the general population by the Genome Aggregation Database (gnomAD). The available evidence is insufficient to determine the role of this variant in disease conclusively. Therefore, this variant is classified as a Variant of Uncertain Significance.

This study involves interpretation of variants in research participants for the purpose of population health screening. Participant phenotype was not available at the time of variant classification. Additional details can be found in publication PMID: 35346344, PMCID: PMC8962531